The following is an entry in ClinVar:

NM_000486.6(AQP2):c.643G>T (p.Gly215Cys)

Genes: AQP5-AS1 (AQP5 and AQP2 antisense RNA 2; minus strand), AQP2 (aquaporin 2; plus strand). Cytogenetic location: 12q13.12.
Variant type: single nucleotide variant.
Coding change: c.643G>T on transcript NM_000486.6 (MANE Select); coding-DNA position 643, G replaced by T.
Protein change: p.Gly215Cys; replaces glycine 215 with cysteine.
Molecular consequence: missense variant.
Genome position (GRCh38, 1-based): chr12:49,955,435, G>T. VCF-style: chr12-49955435-G-T. GRCh37 (hg19) VCF-style: chr12-50349218-G-T.
Other names: short protein forms G215C.
Identifiers: ClinVar variation 4818432 (VCV004818432.1).

ClinVar aggregate classification (germline): Likely pathogenic (1 of 4 stars; one submission).

Conditions:
Nephrogenic diabetes insipidus. Identifiers: Orphanet 223, MedGen C0162283, MONDO:0016383, HP:0009806.

gnomAD v4.1: 1 of 1,612,782 alleles (0.000062%); highest among the groups gnomAD compares: Non-Finnish European, 0.000085%; no homozygotes.

Submission:

Natera, Inc.
Classification: Likely pathogenic for Nephrogenic diabetes insipidus. Last evaluated: 2025-12-23. Review status: criteria provided, single submitter. Criteria: Natera Variant Classification Schema (03/2026). Collection method: clinical testing. Allele origin: germline.
Comment: The c.643G>T variant in AQP2 is a missense variant predicted to cause substitution of glycine to cysteine at amino acid 215. This variant is rare in the general population with a frequency below the threshold expected for the associated phenotype(s). This variant has been observed in one or more individuals affected with the associated recessive disease, as either homozygous or compound heterozygous with a second variant (PMID: 17192724). Functional studies show that this variant may disrupt protein function (PMID: 17192724). Computational prediction algorithms indicate this variant is likely to affect gene or protein function. Given the available evidence, this variant is classified as Likely Pathogenic.

Literature cited by the submitters: PubMed 17192724.